The following is an entry in ClinVar:

NM_001378778.1(MPDZ):c.3235C>G (p.Leu1079Val)

Gene: MPDZ (multiple PDZ domain crumbs cell polarity complex component; minus strand). Cytogenetic location: 9p23.
Variant type: single nucleotide variant.
Coding change: c.3235C>G on transcript NM_001378778.1 (MANE Select); coding-DNA position 3235, C replaced by G.
Protein change: p.Leu1079Val; replaces leucine 1079 with valine.
Molecular consequence: missense variant.
Genome position (GRCh38, 1-based): chr9:13,168,385, G>C on the plus strand (C>G on the coding strand, the complement: MPDZ is on the minus strand). VCF-style: chr9-13168385-G-C. GRCh37 (hg19) VCF-style: chr9-13168384-G-C.
Other names: c.3235C>G, p.Leu1079Val (NM_001261406.2, NM_001261407.2, NM_001330637.2 and 14 more transcripts); short protein forms L1079V.
Identifiers: ClinVar variation 1018915 (VCV001018915.6), dbSNP rs1951352247, ClinGen allele CA372933454.

ClinVar aggregate classification (germline): Uncertain significance (1 of 4 stars; one submission).

Allele frequency attached by ClinVar (database versions not stated): gnomAD exomes below 0.00001.
gnomAD v4.1: 2 of 1,612,888 alleles (0.00012%); highest among the groups gnomAD compares: South Asian, 0.0011%; no homozygotes.

Submission:

Labcorp Genetics (formerly Invitae), Labcorp
Classification: Uncertain significance. Last evaluated: 2022-10-17. Review status: criteria provided, single submitter. Criteria: Invitae Variant Classification Sherloc (09022015). Collection method: clinical testing. Allele origin: germline.
Comment: This sequence change replaces leucine, which is neutral and non-polar, with valine, which is neutral and non-polar, at codon 1079 of the MPDZ protein (p.Leu1079Val). This variant is not present in population databases (gnomAD no frequency). This variant has not been reported in the literature in individuals affected with MPDZ-related conditions. ClinVar contains an entry for this variant (Variation ID: 1018915). Algorithms developed to predict the effect of missense changes on protein structure and function (SIFT, PolyPhen-2, Align-GVGD) all suggest that this variant is likely to be disruptive. In summary, the available evidence is currently insufficient to determine the role of this variant in disease. Therefore, it has been classified as a Variant of Uncertain Significance.